The following is an entry in ClinVar:

ClinVar aggregate classification (germline): Uncertain significance (1 of 4 stars; one submission).

gnomAD v4.1: 21 of 1,614,120 alleles (0.0013%); highest among the groups gnomAD compares: Admixed American, 0.023%; no homozygotes.

Submission:

Labcorp Genetics (formerly Invitae), Labcorp
Classification: Uncertain significance. Last evaluated: 2025-02-11. Review status: criteria provided, single submitter. Criteria: Invitae Variant Classification Sherloc (09022015). Collection method: clinical testing. Allele origin: germline.
Comment: This sequence change replaces histidine, which is basic and polar, with arginine, which is basic and polar, at codon 3738 of the FAT2 protein (p.His3738Arg). This variant is present in population databases (no rsID available, gnomAD 0.01%). This variant has not been reported in the literature in individuals affected with FAT2-related conditions. An algorithm developed to predict the effect of missense changes on protein structure and function outputs the following: PolyPhen-2: "Benign". The arginine amino acid residue is found in multiple mammalian species, which suggests that this missense change does not adversely affect protein function. In summary, the available evidence is currently insufficient to determine the role of this variant in disease. Therefore, it has been classified as a Variant of Uncertain Significance.

NM_001447.3(FAT2):c.11213A>G (p.His3738Arg)

Genes: FAT2 (FAT atypical cadherin 2; minus strand), SLC36A1 (solute carrier family 36 member 1; plus strand). Cytogenetic location: 5q33.1.
Variant type: single nucleotide variant.
Coding change: c.11213A>G on transcript NM_001447.3 (MANE Select); coding-DNA position 11213, A replaced by G.
Protein change: p.His3738Arg; replaces histidine 3738 with arginine.
Molecular consequence: missense variant.
Genome position (GRCh38, 1-based): chr5:151,521,380, T>C on the plus strand (A>G on the coding strand, the complement: FAT2 is on the minus strand). VCF-style: chr5-151521380-T-C. GRCh37 (hg19) VCF-style: chr5-150900941-T-C.
Other names: short protein forms H3738R.
Identifiers: ClinVar variation 4804932 (VCV004804932.1).
Genomic context (GRCh38, chr5:151,521,380, plus strand): 5'-ATGCTGAGCCTGGCGGTGCTGTACGTGGGCCCAACCTTGGGGTCCAGATGCACTGTGTTA[T>C]GGCAGATTTGACCCTGGCAGGTTGGCCCCTGGCAGGGCACCATGGGCATAGCTGACCGCA-3'
Protein context (NP_001438.1, residues 3728-3748): QGPTCQGQIC[His3738Arg]NTVHLDPKVG